The following is an entry in ClinVar:

NM_004260.4(RECQL4):c.3325G>A (p.Glu1109Lys)

Gene: RECQL4 (RecQ like helicase 4; minus strand). Cytogenetic location: 8q24.3.
Variant type: single nucleotide variant.
Coding change: c.3325G>A on transcript NM_004260.4 (MANE Select); coding-DNA position 3325, G replaced by A.
Protein change: p.Glu1109Lys; replaces glutamic acid 1109 with lysine.
Molecular consequence: missense variant.
Genome position (GRCh38, 1-based): chr8:144,511,979, C>T on the plus strand (G>A on the coding strand, the complement: RECQL4 is on the minus strand). VCF-style: chr8-144511979-C-T. GRCh37 (hg19) VCF-style: chr8-145737362-C-T.
Other names: short protein forms E1109K.
Identifiers: ClinVar variation 939775 (VCV000939775.6), dbSNP rs1586791117, ClinGen allele CA372668633.
Genomic context (GRCh38, chr8:144,511,979, plus strand): 5'-GCCCTGGCTCGGGGCCCTGTGCGTCCTCCATGCCTCCCGGCTCCTGCCCTTCCTCTTCCT[C>T]AAAGTAGCGGCCGAGCAGGTCCTTGAGCCTGGTGCTGCGCTCCTCATCCTGCTGCTCCAG-3'
Protein context (NP_004251.4, residues 1099-1119): RLKDLLGRYF[Glu1109Lys]EEEGQEPGGM

ClinVar aggregate classification (germline): Uncertain significance (1 of 4 stars; one submission).

Conditions:
Baller-Gerold syndrome (BGS). Also called: CRANIOSYNOSTOSIS WITH RADIAL DEFECTS. Identifiers: Orphanet 1225, MedGen C0265308, MONDO:0009039, OMIM 218600.

Submission:

Labcorp Genetics (formerly Invitae), Labcorp
Classification: Uncertain significance for Baller-Gerold syndrome. Last evaluated: 2022-11-03. Review status: criteria provided, single submitter. Criteria: Invitae Variant Classification Sherloc (09022015). Collection method: clinical testing. Allele origin: germline.
Comment: This sequence change replaces glutamic acid, which is acidic and polar, with lysine, which is basic and polar, at codon 1109 of the RECQL4 protein (p.Glu1109Lys). This variant is not present in population databases (gnomAD no frequency). This variant has not been reported in the literature in individuals affected with RECQL4-related conditions. ClinVar contains an entry for this variant (Variation ID: 939775). Advanced modeling of protein sequence and biophysical properties (such as structural, functional, and spatial information, amino acid conservation, physicochemical variation, residue mobility, and thermodynamic stability) performed at Invitae indicates that this missense variant is not expected to disrupt RECQL4 protein function. In summary, the available evidence is currently insufficient to determine the role of this variant in disease. Therefore, it has been classified as a Variant of Uncertain Significance.